The following is an entry in ClinVar:

ClinVar aggregate classification (germline): Pathogenic/Likely pathogenic. Review status: criteria provided, multiple submitters, no conflicts (2 of 4 stars). 8 submissions from 8 submitters: Pathogenic (1); Likely pathogenic (5). 2 of the submissions do not count toward it. Last evaluated 2025-10-15.

Conditions:
Factor XI deficiency. Identifiers: MedGen C4321502, MONDO:0020587.
Plasma factor XI deficiency.
Hereditary factor XI deficiency disease. Also called: PTA DEFICIENCY; ROSENTHAL SYNDROME; PLASMA THROMBOPLASTIN ANTECEDENT DEFICIENCY; Congenital factor XI deficiency. Identifiers: Orphanet 329, MedGen C0015523, MeSH D005173, MONDO:0012897, OMIM 612416.

Allele frequency attached by ClinVar (database versions not stated): TOPMed 0.00001; gnomAD 0.00001.
gnomAD v4.1: 12 of 1,614,114 alleles (0.00074%); highest among the groups gnomAD compares: Middle Eastern, 0.016%; no homozygotes.

Submissions (8):

Natera, Inc.
Classification: Pathogenic for Plasma factor XI deficiency. Last evaluated: 2025-10-15. Review status: criteria provided, single submitter. Criteria: Natera Variant Classification Schema (03/2026). Collection method: clinical testing. Allele origin: germline.
Comment: The c.1253G>T variant in F11 is a missense variant predicted to cause substitution of glycine to valine at amino acid 418. This variant is rare in the general population with a frequency below the threshold expected for the associated phenotype(s). This variant has been observed in one or more individuals affected with the associated recessive disease, as either homozygous or compound heterozygous with a second variant (PMID: 27067486). Computational prediction algorithms indicate this variant is likely to affect gene or protein function. Given the available evidence, this variant is classified as Pathogenic.

North West Genomic Laboratory Hub, Manchester University NHS Foundation Trust
Classification: Likely pathogenic for Factor XI deficiency. Last evaluated: 2025-04-24. Review status: criteria provided, single submitter. Criteria: ACGS Best Practice Guidelines for Variant Classification in Rare Disease 2024. Collection method: clinical testing. Allele origin: germline. Affected: yes.
Comment: PP3_Supp PS4_Str PP4_Mod

Revvity Omics, Revvity
Classification: Likely pathogenic for Hereditary factor XI deficiency disease. Last evaluated: 2021-11-17. Review status: criteria provided, single submitter. Criteria: ACMG Guidelines, 2015. Collection method: clinical testing. Allele origin: germline.

Genome-Nilou Lab
Classification: Likely pathogenic for Hereditary factor XI deficiency disease. Last evaluated: 2021-07-22. Review status: criteria provided, single submitter. Criteria: ACMG Guidelines, 2015. Collection method: clinical testing. Allele origin: germline. Affected: no.

Juno Genomics, Hangzhou Juno Genomics, Inc
Classification: Likely pathogenic for Hereditary factor XI deficiency disease. Review status: criteria provided, single submitter. Criteria: ACMG Guidelines, 2015. Collection method: clinical testing. Allele origin: germline.
Comment: Absent from controls (or at extremely low frequency if recessive) in Genome Aggregation Database.;Multiple lines of computational evidence support a deleterious effect on the gene or gene product.;The prevalence of the variant in affected individuals is significantly increased compared to the prevalence in controls.;For recessive disorders, detected in trans with a pathogenic variant.;Patient's phenotype or family history is highly specific for a disease with a single genetic etiology.

Kariminejad - Najmabadi Pathology & Genetics Center
Classification: Likely pathogenic for Hereditary factor XI deficiency disease. Review status: criteria provided, single submitter. Criteria: ACMG Guidelines, 2015. Collection method: clinical testing. Allele origin: germline. Affected: no.

Counsyl
Classification: Likely pathogenic for Hereditary factor XI deficiency disease. Last evaluated: 2014-06-06. Review status: no assertion criteria provided. Collection method: literature only. Allele origin: unknown. Inheritance: Autosomal recessive inheritance. Not counted in ClinVar's aggregate classification.

OMIM
Classification: Pathogenic for FACTOR XI DEFICIENCY. Last evaluated: 2004-07-01. Review status: no assertion criteria provided. Collection method: literature only. Allele origin: germline. Not counted in ClinVar's aggregate classification.

Literature cited by the submitters: PubMed 27067486 (cited by Natera, Inc.); PubMed 21668437 (cited by Counsyl); PubMed 19652879 (cited by Counsyl); PubMed 16787881 (cited by Counsyl); PubMed 15026311 (cited by Counsyl and OMIM).

NM_000128.4(F11):c.1253G>T (p.Gly418Val)

Gene: F11 (coagulation factor XI; plus strand). Cytogenetic location: 4q35.2.
Variant type: single nucleotide variant.
Coding change: c.1253G>T on transcript NM_000128.4 (MANE Select); coding-DNA position 1253, G replaced by T.
Protein change: p.Gly418Val; replaces glycine 418 with valine.
Molecular consequence: missense variant.
Genome position (GRCh38, 1-based): chr4:186,284,209, G>T. VCF-style: chr4-186284209-G-T. GRCh37 (hg19) VCF-style: chr4-187205363-G-T.
Other names: F11, GLY400VAL; G400V; short protein forms G418V.
Identifiers: ClinVar variation 11903 (VCV000011903.15), dbSNP rs121965071, ClinGen allele CA121767.